The following is an entry in ClinVar:

NM_139318.5(KCNH5):c.2582C>G (p.Thr861Arg)

Gene: KCNH5 (potassium voltage-gated channel subfamily H member 5; minus strand). Cytogenetic location: 14q23.2.
Variant type: single nucleotide variant.
Coding change: c.2582C>G on transcript NM_139318.5 (MANE Select); coding-DNA position 2582, C replaced by G.
Protein change: p.Thr861Arg; replaces threonine 861 with arginine.
Molecular consequence: missense variant. On other transcripts: 3 prime UTR variant (1).
Genome position (GRCh38, 1-based): chr14:62,707,893, G>C on the plus strand (C>G on the coding strand, the complement: KCNH5 is on the minus strand). VCF-style: chr14-62707893-G-C. GRCh37 (hg19) VCF-style: chr14-63174611-G-C.
Other names: c.*549C>G (NM_172375.3); short protein forms T861R.
Identifiers: ClinVar variation 3715689 (VCV003715689.2).

ClinVar aggregate classification (germline): Uncertain significance (1 of 4 stars; one submission).

Conditions:
Early-infantile DEE. Also called: Ohtahara syndrome; Early infantile epileptic encephalopathy with suppression bursts; Early infantile epileptic encephalopathy. Identifiers: Orphanet 1934, MedGen C0393706, MONDO:0800491.

Submission:

Labcorp Genetics (formerly Invitae), Labcorp
Classification: Uncertain significance for Early-infantile DEE. Last evaluated: 2024-07-22. Review status: criteria provided, single submitter. Criteria: Invitae Variant Classification Sherloc (09022015). Collection method: clinical testing. Allele origin: germline.
Comment: This sequence change replaces threonine, which is neutral and polar, with arginine, which is basic and polar, at codon 861 of the KCNH5 protein (p.Thr861Arg). This variant is not present in population databases (gnomAD no frequency). This variant has not been reported in the literature in individuals affected with KCNH5-related conditions. An algorithm developed to predict the effect of missense changes on protein structure and function (PolyPhen-2) suggests that this variant is likely to be disruptive. In summary, the available evidence is currently insufficient to determine the role of this variant in disease. Therefore, it has been classified as a Variant of Uncertain Significance.